The following is an entry in ClinVar:

ClinVar aggregate classification (germline): Benign (1 of 4 stars; one submission).

Conditions:
Familial cancer of breast. Also called: Hereditary breast cancer; BREAST CANCER, FAMILIAL; hereditary breast carcinoma. Identifiers: Orphanet 227535, MedGen C0346153, MONDO:0016419, OMIM 114480. Disease mechanism: loss of function.

Submission:

Myriad Genetics, Inc.
Classification: Benign for Familial cancer of breast. Last evaluated: 2024-10-03. Review status: criteria provided, single submitter. Criteria: Myriad Autosomal Dominant, Autosomal Recessive and X-Linked Classification Criteria (2023). Collection method: clinical testing. Allele origin: unknown.
Comment: This variant is considered benign. This variant is a silent/synonymous amino acid change and it is not expected to impact splicing.

NM_007194.4(CHEK2):c.726A>T (p.Thr242=)

Gene: CHEK2 (checkpoint kinase 2; minus strand). Cytogenetic location: 22q12.1.
Variant type: single nucleotide variant.
Coding change: c.726A>T on transcript NM_007194.4 (MANE Select); coding-DNA position 726, A replaced by T.
Protein change: p.Thr242=; no amino-acid change (threonine 242 retained).
Molecular consequence: synonymous variant.
Genome position (GRCh38, 1-based): chr22:28,711,975, T>A on the plus strand (A>T on the coding strand, the complement: CHEK2 is on the minus strand). VCF-style: chr22-28711975-T-A. GRCh37 (hg19) VCF-style: chr22-29107963-T-A.
Other names: c.855A>T, p.Thr285= (NM_001005735.3); c.63A>T, p.Thr21= (NM_001257387.3); c.525A>T, p.Thr175= (NM_001349956.3); c.726A>T, p.Thr242= (NM_145862.3).
Identifiers: ClinVar variation 3773062 (VCV003773062.1).